The following is an entry in ClinVar:

NM_000138.5(FBN1):c.8562del (p.Ser2855fs)

Gene: FBN1 (fibrillin 1; minus strand). Cytogenetic location: 15q21.1.
Variant type: Deletion.
Coding change: c.8562del on transcript NM_000138.5 (MANE Select); coding-DNA position 8562, one base deleted (C; older notation c.8562delC).
Protein change: p.Ser2855fs; shifts the reading frame from serine 2855.
Molecular consequence: frameshift variant.
Genome position (GRCh38, 1-based): chr15:48,411,044, G deleted on the plus strand (C on the coding strand, the reverse complement: FBN1 is on the minus strand). VCF-style (leftmost placement, unchanged base first): chr15-48411043-TG-T. GRCh37 (hg19) VCF-style: chr15-48703240-TG-T.
Other names: c.8562delC, p.Ser2855Valfs (NM_001406716.1); short protein forms S2855fs.
Identifiers: ClinVar variation 1705635 (VCV001705635.1), dbSNP rs2505370396, ClinGen allele CA2580089543.
Genomic context (GRCh38, chr15:48,411,043, plus strand): 5'-TGGTGAATTAATGAAGCAAAACCTGGATTTTCATCTTCAGATTATCACCCAGTTCACCAC[TG>T]AGGTAGTCTTTGTCATATTTGTCTTCTAGTTGGTTAAGTTCTTTCTTTTTATAAAGTGGA-3'

ClinVar aggregate classification (germline): Uncertain significance (1 of 4 stars; one submission).

Conditions:
Marfan syndrome (MFS). Also called: Marfan's syndrome; Marfan syndrome, classic; MARFAN SYNDROME, TYPE I; Marfan syndrome type 1; FBN1-Related Marfan Syndrome. Identifiers: Orphanet 284963, Orphanet 558, MedGen C0024796, MONDO:0007947, OMIM 154700.

Submission:

3billion
Classification: Uncertain significance for Marfan syndrome. Last evaluated: 2022-09-01. Review status: criteria provided, single submitter. Criteria: ACMG Guidelines, 2015. Collection method: clinical testing. Allele origin: germline. Affected: yes. Observed: 1 heterozygote.
Comment: The variant is not observed in the gnomAD v2.1.1 dataset. Frameshift variant is predicted to result in a loss or disruption of normal protein function through protein truncation. The predicted truncated protein may be shortened by less than 10%. Therefore, this variant is classified as uncertain significance according to the recommendation of ACMG/AMP guideline.